The following is an entry in ClinVar:

ClinVar aggregate classification (germline): Uncertain significance (1 of 4 stars; one submission).

Submission:

GeneDx
Classification: Uncertain significance. Last evaluated: 2024-06-06. Review status: criteria provided, single submitter. Criteria: GeneDx Variant Classification Process June 2021. Collection method: clinical testing. Allele origin: germline. Affected: yes.
Comment: Not observed at significant frequency in large population cohorts (gnomAD); In silico analysis indicates that this missense variant does not alter protein structure/function; Has not been previously published as pathogenic or benign to our knowledge; This substitution is predicted to be within the N-terminal cytoplasmic domain.

NM_001165963.4(SCN1A):c.73A>G (p.Ile25Val)

Gene: SCN1A (sodium voltage-gated channel alpha subunit 1; minus strand). Cytogenetic location: 2q24.3.
Variant type: single nucleotide variant.
Coding change: c.73A>G on transcript NM_001165963.4 (MANE Select); coding-DNA position 73, A replaced by G.
Protein change: p.Ile25Val; replaces isoleucine 25 with valine.
Molecular consequence: missense variant. On other transcripts: 5 prime UTR variant (1), non-coding transcript variant (1).
Genome position (GRCh38, 1-based): chr2:166,073,549, T>C on the plus strand (A>G on the coding strand, the complement: SCN1A is on the minus strand). VCF-style: chr2-166073549-T-C. GRCh37 (hg19) VCF-style: chr2-166930059-T-C.
Other names: c.73A>G, p.Ile25Val (NM_001165964.3, NM_001202435.3, NM_001353948.2 and 10 more transcripts); c.-2353A>G (NM_001353961.2); short protein forms I25V.
Identifiers: ClinVar variation 3384389 (VCV003384389.1).